The following is an entry in ClinVar:

NM_018417.6(ADCY10):c.3309+5G>A

Gene: ADCY10 (adenylate cyclase 10; minus strand). Cytogenetic location: 1q24.2.
Variant type: single nucleotide variant.
Coding change: c.3309+5G>A on transcript NM_018417.6 (MANE Select); 5 bases into the intron after coding-DNA position 3309, G replaced by A.
Molecular consequence: intron variant.
Genome position (GRCh38, 1-based): chr1:167,836,304, C>T on the plus strand (G>A on the coding strand, the complement: ADCY10 is on the minus strand). VCF-style: chr1-167836304-C-T. GRCh37 (hg19) VCF-style: chr1-167805542-C-T.
Other names: c.2850+5G>A (NM_001167749.3); c.3033+5G>A (NM_001297772.2).
Identifiers: ClinVar variation 4751386 (VCV004751386.1).

ClinVar aggregate classification (germline): Uncertain significance (1 of 4 stars; one submission).

gnomAD v4.1: 16 of 1,597,886 alleles (0.001%); highest among the groups gnomAD compares: Non-Finnish European, 0.0013%; no homozygotes.

Submission:

Labcorp Genetics (formerly Invitae), Labcorp
Classification: Uncertain significance. Last evaluated: 2025-01-30. Review status: criteria provided, single submitter. Criteria: Invitae Variant Classification Sherloc (09022015). Collection method: clinical testing. Allele origin: germline.
Comment: This sequence change falls in intron 23 of the ADCY10 gene. It does not directly change the encoded amino acid sequence of the ADCY10 protein. It affects a nucleotide within the consensus splice site. This variant is present in population databases (rs371732106, gnomAD 0.004%). This variant has not been reported in the literature in individuals affected with ADCY10-related conditions. Variants that disrupt the consensus splice site are a relatively common cause of aberrant splicing (PMID: 17576681, 9536098). Algorithms developed to predict the effect of sequence changes on RNA splicing suggest that this variant may disrupt the consensus splice site. In summary, the available evidence is currently insufficient to determine the role of this variant in disease. Therefore, it has been classified as a Variant of Uncertain Significance.

Literature cited by the submitters: PubMed 17576681; PubMed 9536098.